The following is an entry in ClinVar:

NM_004260.4(RECQL4):c.1668C>T (p.Gly556=)

Gene: RECQL4 (RecQ like helicase 4; minus strand). Cytogenetic location: 8q24.3.
Variant type: single nucleotide variant.
Coding change: c.1668C>T on transcript NM_004260.4 (MANE Select); coding-DNA position 1668, C replaced by T.
Protein change: p.Gly556=; no amino-acid change (glycine 556 retained).
Molecular consequence: synonymous variant.
Genome position (GRCh38, 1-based): chr8:144,514,478, G>A on the plus strand (C>T on the coding strand, the complement: RECQL4 is on the minus strand). VCF-style: chr8-144514478-G-A. GRCh37 (hg19) VCF-style: chr8-145739862-G-A.
Identifiers: ClinVar variation 1478682 (VCV001478682.8), dbSNP rs1339382948, ClinGen allele CA463567565.

ClinVar aggregate classification (germline): Uncertain significance (1 of 4 stars; one submission).

Conditions:
Baller-Gerold syndrome (BGS). Also called: CRANIOSYNOSTOSIS WITH RADIAL DEFECTS. Identifiers: Orphanet 1225, MedGen C0265308, MONDO:0009039, OMIM 218600.

Allele frequency attached by ClinVar (database versions not stated): gnomAD exomes below 0.00001.
gnomAD v4.1: 1 of 1,612,374 alleles (0.000062%); highest among the groups gnomAD compares: South Asian, 0.0011%; no homozygotes.

Submission:

Labcorp Genetics (formerly Invitae), Labcorp
Classification: Uncertain significance for Baller-Gerold syndrome. Last evaluated: 2023-09-17. Review status: criteria provided, single submitter. Criteria: Invitae Variant Classification Sherloc (09022015). Collection method: clinical testing. Allele origin: germline.
Comment: This variant has not been reported in the literature in individuals affected with RECQL4-related conditions. This sequence change affects codon 556 of the RECQL4 mRNA. It is a 'silent' change, meaning that it does not change the encoded amino acid sequence of the RECQL4 protein. This variant is present in population databases (no rsID available, gnomAD 0.003%). ClinVar contains an entry for this variant (Variation ID: 1478682). Algorithms developed to predict the effect of sequence changes on RNA splicing suggest that this variant may create or strengthen a splice site. In summary, the available evidence is currently insufficient to determine the role of this variant in disease. Therefore, it has been classified as a Variant of Uncertain Significance.